The following is an entry in ClinVar:

ClinVar aggregate classification (germline): Likely benign (0 of 4 stars; one submission).

Conditions:
KRT1-related disorder. Also called: KRT1-related condition.

Allele frequency attached by ClinVar (database versions not stated): gnomAD exomes 0.00003; ExAC 0.00020; ESP Exome Variant Server 0.00046; gnomAD 0.00048; TOPMed 0.00054; 1000 Genomes Project 30x 0.00078; 1000 Genomes Project 0.00080.
gnomAD v4.1: 116 of 1,614,212 alleles (0.0072%); highest among the groups gnomAD compares: African/African-American, 0.13%; no homozygotes.

Submission:

PreventionGenetics, part of Exact Sciences
Classification: Likely benign for KRT1-related condition. Last evaluated: 2019-11-21. Review status: no assertion criteria provided. Collection method: clinical testing. Allele origin: germline.
Comment: This variant is classified as likely benign based on ACMG/AMP sequence variant interpretation guidelines (Richards et al. 2015 PMID: 25741868, with internal and published modifications).

NM_006121.4(KRT1):c.1137G>A (p.Glu379=)

Gene: KRT1 (keratin 1; minus strand). Cytogenetic location: 12q13.13.
Variant type: single nucleotide variant.
Coding change: c.1137G>A on transcript NM_006121.4 (MANE Select); coding-DNA position 1137, G replaced by A.
Protein change: p.Glu379=; no amino-acid change (glutamic acid 379 retained).
Molecular consequence: synonymous variant.
Genome position (GRCh38, 1-based): chr12:52,677,176, C>T on the plus strand (G>A on the coding strand, the complement: KRT1 is on the minus strand). VCF-style: chr12-52677176-C-T. GRCh37 (hg19) VCF-style: chr12-53070960-C-T.
Identifiers: ClinVar variation 3049122 (VCV003049122.2), dbSNP rs141641507, ClinGen allele CA6586239.